The following is an entry in ClinVar:

ClinVar aggregate classification (germline): Uncertain significance. Review status: reviewed by expert panel (3 of 4 stars). 11 submissions from 11 submitters: Uncertain significance (1). 10 of the submissions do not count toward it. Last evaluated 2026-07-15.

Conditions:
BRCA2-related cancer predisposition. Identifiers: MedGen CN377758, MONDO:0700269.
Hereditary cancer-predisposing syndrome. Also called: Hereditary neoplastic syndrome; Neoplastic Syndromes, Hereditary; Hereditary Cancer Syndrome; Tumor predisposition. Identifiers: Orphanet 140162, MedGen C0027672, MeSH D009386, MONDO:0015356.
Hereditary breast ovarian cancer syndrome. Also called: Hereditary breast and ovarian cancer; Breast and ovarian cancer; Hereditary breast and ovarian cancer syndrome; BRCA1- and BRCA2-Associated Hereditary Breast and Ovarian Cancer; Hereditary breast and ovarian cancer syndrome (HBOC); Hereditary breast and/or ovarian cancer syndrome. Identifiers: Orphanet 145, MedGen C0677776, MeSH D061325, MONDO:0003582. Disease mechanism: loss of function.
Breast-ovarian cancer, familial, susceptibility to, 2 (BROVCA2). Also called: BRCA2 Hereditary Breast and Ovarian Cancer. Identifiers: Orphanet 145, MedGen C2675520, MONDO:0012933, OMIM 612555. Disease mechanism: loss of function.

Allele frequency attached by ClinVar (database versions not stated): gnomAD exomes below 0.00001.
gnomAD v4.1: 1 of 1,614,004 alleles (0.000062%); no homozygotes.

Submissions 1 to 6 of 11:

ClinGen ENIGMA BRCA1 and BRCA2 Variant Curation Expert Panel, ClinGen
Classification: Uncertain significance for BRCA2-related cancer predisposition. Last evaluated: 2026-07-15. Review status: reviewed by expert panel. Criteria: CSpec BRCA1/2ACMG Rules Specifications V1.2. Collection method: curation. Allele origin: germline. Inheritance: Autosomal dominant inheritance.
Comment: The c.7832A>G variant in BRCA2 is a missense variant predicted to cause substitution of Aspartic Acid by Glycine at amino acid 2611 (p.(Asp2611Gly)). This variant is recorded in gnomAD v4.1, however the Total GrpMax filtering allele frequency (the lower threshold of the 95% CI) was not calculated, therefore this variant does not meet any population code (BA1, BS1, BS1_Supporting, PM2_Supporting are not met). Reported by six calibrated studies with discordant results. Functional effect similar to pathogenic control variants (PMIDs:32444794, 39779857, 39779848, 35190686, 33293522) and between what was observed for benign and pathogenic control variants (PMID:38417439), however due to the number of concordant assays and only one discrepancy, the VCEP decided to apply PS3 (PS3 met). This BRCA2 missense variant is within a key functional domain and the computational predictor BayesDel (noAF) gives a score of 0.41, above the recommended threshold of 0.30 for prediction of impact on BRCA2 function via protein change. A SpliceAI score of 0.1 predicts no impact on splicing (score threshold ≤0.1) (PP3 met). Multifactorial likelihood ratio analysis using clinically calibrated data produced a combined LR for this variant of 0.25 (based on Family History LR=0.25), within the thresholds for supporting benign evidence (LR 0.23-0.48) (BP5 met; PMID: 31853058). In summary, this variant meets the criteria to be classified as a Variant of uncertain significance for BRCA2-related cancer predisposition based on the ACMG/AMP criteria applied as specified by the ENIGMA BRCA1/2 VCEP (PS3, PP3, BP5).

Labcorp Genetics (formerly Invitae), Labcorp
Classification: Uncertain significance for Hereditary breast ovarian cancer syndrome. Last evaluated: 2025-12-21. Review status: criteria provided, single submitter. Criteria: Invitae Variant Classification Sherloc (09022015). Collection method: clinical testing. Allele origin: germline. Not counted in ClinVar's aggregate classification.
Comment: This sequence change replaces aspartic acid, which is acidic and polar, with glycine, which is neutral and non-polar, at codon 2611 of the BRCA2 protein (p.Asp2611Gly). This variant is present in population databases (rs80359010, gnomAD 0.003%). This missense change has been observed in individual(s) with a personal or family history of breast cancer (PMID: 16030099). ClinVar contains an entry for this variant (Variation ID: 52424). An algorithm developed specifically for the BRCA2 gene suggests that this missense change is likely to be tolerated (PMID: 19043619). Experimental studies have shown that this missense change affects BRCA2 function (PMID: 23108138, 29394989, 29884841, 33293522). Studies have shown that this missense change is associated with inconclusive levels of altered splicing (internal data). In summary, the available evidence is currently insufficient to determine the role of this variant in disease. Therefore, it has been classified as a Variant of Uncertain Significance.

GeneDx
Classification: Likely pathogenic. Last evaluated: 2025-07-23. Review status: criteria provided, single submitter. Criteria: GeneDx Variant Classification Process June 2021. Collection method: clinical testing. Allele origin: germline. Affected: yes. Not counted in ClinVar's aggregate classification.
Comment: Published functional studies demonstrate a damaging effect: impaired homology-directed repair activity, inability to rescue cell lethality in an embryonic stem cell assay, and sensitivity to PARP inhibitors (PMID: 23108138, 29394989, 32377563, 33293522, 32444794, 35665744); Observed in an individual with a personal and/or family history of breast and/or ovarian cancer (PMID: 16030099); Not observed at significant frequency in large population cohorts (gnomAD); In silico analysis suggests that this missense variant does not alter protein structure/function; Also known as 8060A>G; This variant is associated with the following publications: (PMID: 17899372, 19043619, 29884841, 33293522, 31853058, 32042831, 32377563, 35665744, 32444794, 12228710, 27433848, 29394989, 23108138, 16030099, 39779857, 39779848, 35190686)

Ambry Genetics
Classification: Uncertain significance for Hereditary cancer-predisposing syndrome. Last evaluated: 2025-07-11. Review status: criteria provided, single submitter. Criteria: Ambry Variant Classification Scheme 2023. Collection method: clinical testing. Allele origin: germline. Not counted in ClinVar's aggregate classification.
Comment: The p.D2611G variant (also known as c.7832A>G), located in coding exon 16 of the BRCA2 gene, results from an A to G substitution at nucleotide position 7832. The aspartic acid at codon 2611 is replaced by glycine, an amino acid with similar properties. In one study, this alteration was identified in 1/110 Hispanic patients with personal or family history of breast and/or ovarian cancer (Weitzel JN et al. Cancer Epidemiol. Biomarkers Prev., 2005 Jul;14:1666-71). This variant was reported to be non-functional in one published homology-directed DNA repair (HDR) assay (Hart SN et al. Genet. Med., 2019 01;21:71-80), however additional experiments have demonstrated p.D2611G to have an intermediate impact on homology-directed repair (Guidugli L et al. Am. J. Hum. Genet., 2018 02;102:233-248; personal communication). Two saturation genome editing-based studies, including a haploid cell-survival assay and a humanized mouse embryonic stem cell line assay of drug response and survival, demonstrate that this nucleotide substitution is non-functional(Huang H et al. Nature. 2025 Feb;638(8050):528-537; Sahu S et al. Nature. 2025 Feb;638(8050):538-545). In addition, this variant failed to rescue viability in a Brca2-/- mESC-based model, suggesting that it is deleterious (Biswas K et al. NPJ Genom Med. 2020 Dec;5(1):52). This variant was also reported as pathogenic based on sensitivity to PARP inhibitors in a high-throughput in vitro assay performed in a human colorectal adenoma cell line (Ikegami M et al. Nat Commun. 2020 May;11(1):2573). This amino acid position is highly conserved in available vertebrate species. In addition, this alteration is predicted to be deleterious by in silico analysis. Based on internal structural analysis, this variant is expected to be structurally and functionally tolerated (Ambry internal data). Based on the available evidence, the clinical significance of this variant remains unclear.

Color Diagnostics, LLC DBA Color Health
Classification: Uncertain significance for Hereditary cancer-predisposing syndrome. Last evaluated: 2025-01-03. Review status: criteria provided, single submitter. Criteria: ACMG Guidelines, 2015. Collection method: clinical testing. Allele origin: germline. Not counted in ClinVar's aggregate classification.
Comment: This missense variant replaces aspartic acid with glycine at codon 2611 of the BRCA2 protein. Computational prediction suggests that this variant may have deleterious impact on protein structure and function. Functional studies have reported that this variant impacts BRCA2 function in homology-mediated DNA repair assays (PMID: 23108138, 29394989), impacts cell viability in Brca2-deficient mouse embryonic stem cells (PMID: 33293522), increases sensitivity to DNA-damaging agents (PMID: 32444794), and was non-functional in a haploidized cell proliferation assay (PMID: 35190686). This variant has been reported in an individual with a personal or family history of breast or ovarian cancer (PMID: 16030099). A multifactorial analysis has reported a likelihood ratio for pathogenicity based on personal and family history of 0.245 from log(LR)=-0.610794902 for three carriers (PMID: 31853058). This variant has been identified in 1/251200 chromosomes in the general population by the Genome Aggregation Database (gnomAD). The available evidence is insufficient to determine the role of this variant in disease conclusively. Therefore, this variant is classified as a Variant of Uncertain Significance.

Myriad Genetics, Inc.
Classification: Likely benign for Breast-ovarian cancer, familial, susceptibility to, 2. Last evaluated: 2023-12-06. Review status: criteria provided, single submitter. Criteria: Myriad Autosomal Dominant, Autosomal Recessive and X-Linked Classification Criteria (2023). Collection method: clinical testing. Allele origin: unknown. Not counted in ClinVar's aggregate classification.
Comment: This variant is considered likely benign. This variant is strongly associated with less severe personal and family histories of cancer, typical for individuals without pathogenic variants in this gene [PMID: 25085752].

NM_000059.4(BRCA2):c.7832A>G (p.Asp2611Gly)

Gene: BRCA2 (BRCA2 DNA repair associated; plus strand). Cytogenetic location: 13q13.1.
Variant type: single nucleotide variant.
Coding change: c.7832A>G on transcript NM_000059.4 (MANE Select); coding-DNA position 7832, A replaced by G.
Protein change: p.Asp2611Gly; replaces aspartic acid 2611 with glycine.
Molecular consequence: missense variant.
Genome position (GRCh38, 1-based): chr13:32,362,549, A>G. VCF-style: chr13-32362549-A-G. GRCh37 (hg19) VCF-style: chr13-32936686-A-G.
Other names: NM_000059.4(BRCA2):c.7832A>G; p.Asp2611Gly; short protein forms D2611G.
Identifiers: ClinVar variation 52424 (VCV000052424.34), dbSNP rs80359010, ClinGen allele CA025304.
Genomic context (GRCh38, chr13:32,362,549, plus strand): 5'-TTTTTATGATAATATTCTACTTTTATTTGTTCAGGGCTCTGTGTGACACTCCAGGTGTGG[A>G]TCCAAAGCTTATTTCTAGAATTTGGGTTTATAATCACTATAGATGGATCATATGGAAACT-3'
Protein context (NP_000050.3, residues 2601-2621): YRALCDTPGV[Asp2611Gly]PKLISRIWVY